The following is an entry in ClinVar:

NM_002460.4(IRF4):c.173G>A (p.Gly58Asp)

Gene: IRF4 (interferon regulatory factor 4; plus strand). Cytogenetic location: 6p25.3.
Variant type: single nucleotide variant.
Coding change: c.173G>A on transcript NM_002460.4 (MANE Select); coding-DNA position 173, G replaced by A.
Protein change: p.Gly58Asp; replaces glycine 58 with aspartic acid.
Molecular consequence: missense variant. On other transcripts: non-coding transcript variant (1).
Genome position (GRCh38, 1-based): chr6:393,325, G>A. VCF-style: chr6-393325-G-A. GRCh37 (hg19) VCF-style: chr6-393325-G-A.
Other names: c.173G>A, p.Gly58Asp (NM_001195286.2); short protein forms G58D.
Identifiers: ClinVar variation 3647438 (VCV003647438.2).

ClinVar aggregate classification (germline): Uncertain significance (1 of 4 stars; one submission).

gnomAD v4.1: 2 of 1,607,984 alleles (0.00012%); highest among the groups gnomAD compares: Non-Finnish European, 0.000085%; no homozygotes.

Submission:

Labcorp Genetics (formerly Invitae), Labcorp
Classification: Uncertain significance. Last evaluated: 2024-03-24. Review status: criteria provided, single submitter. Criteria: Invitae Variant Classification Sherloc (09022015). Collection method: clinical testing. Allele origin: germline.
Comment: This sequence change replaces glycine, which is neutral and non-polar, with aspartic acid, which is acidic and polar, at codon 58 of the IRF4 protein (p.Gly58Asp). This variant is not present in population databases (gnomAD no frequency). This variant has not been reported in the literature in individuals affected with IRF4-related conditions. An algorithm developed to predict the effect of missense changes on protein structure and function (PolyPhen-2) suggests that this variant is likely to be disruptive. In summary, the available evidence is currently insufficient to determine the role of this variant in disease. Therefore, it has been classified as a Variant of Uncertain Significance.